The following is an entry in ClinVar:

NM_015335.5(MED13L):c.6427G>T (p.Glu2143Ter)

Gene: MED13L (mediator complex subunit 13L; minus strand). Cytogenetic location: 12q24.21.
Variant type: single nucleotide variant.
Coding change: c.6427G>T on transcript NM_015335.5 (MANE Select); coding-DNA position 6427, G replaced by T.
Protein change: p.Glu2143Ter; replaces glutamic acid 2143 with a stop codon.
Molecular consequence: nonsense.
Genome position (GRCh38, 1-based): chr12:115,963,480, C>A on the plus strand (G>T on the coding strand, the complement: MED13L is on the minus strand). VCF-style: chr12-115963480-C-A. GRCh37 (hg19) VCF-style: chr12-116401285-C-A.
Other names: short protein forms E2143*.
Identifiers: ClinVar variation 3660889 (VCV003660889.2).

ClinVar aggregate classification (germline): Pathogenic (1 of 4 stars; one submission).

Conditions:
Dextro-looped transposition of the great arteries. Also called: Dextrotransposition of the great arteries. Identifiers: Orphanet 860, MedGen C3531771, MONDO:0019443, OMIM 608808, HP:0031348.

Submission:

Labcorp Genetics (formerly Invitae), Labcorp
Classification: Pathogenic for Dextro-looped transposition of the great arteries. Last evaluated: 2024-07-30. Review status: criteria provided, single submitter. Criteria: Invitae Variant Classification Sherloc (09022015). Collection method: clinical testing. Allele origin: germline.
Comment: This sequence change creates a premature translational stop signal (p.Glu2143*) in the MED13L gene. It is expected to result in an absent or disrupted protein product. Loss-of-function variants in MED13L are known to be pathogenic (PMID: 25712080, 25758992). This variant is not present in population databases (gnomAD no frequency). This variant has not been reported in the literature in individuals affected with MED13L-related conditions. Algorithms developed to predict the effect of sequence changes on RNA splicing suggest that this variant may disrupt the consensus splice site. For these reasons, this variant has been classified as Pathogenic.

Literature cited by the submitters: PubMed 25712080; PubMed 25758992.